The following is an entry in ClinVar:

NM_015311.3(OBSL1):c.2216A>T (p.Glu739Val)

Gene: OBSL1 (obscurin like cytoskeletal adaptor 1; minus strand). Cytogenetic location: 2q35.
Variant type: single nucleotide variant.
Coding change: c.2216A>T on transcript NM_015311.3 (MANE Select); coding-DNA position 2216, A replaced by T.
Protein change: p.Glu739Val; replaces glutamic acid 739 with valine.
Molecular consequence: missense variant.
Genome position (GRCh38, 1-based): chr2:219,565,433, T>A on the plus strand (A>T on the coding strand, the complement: OBSL1 is on the minus strand). VCF-style: chr2-219565433-T-A. GRCh37 (hg19) VCF-style: chr2-220430155-T-A.
Other names: c.2216A>T, p.Glu739Val (NM_001173408.2, NM_001173431.2); short protein forms E739V.
Identifiers: ClinVar variation 3375302 (VCV003375302.1).

ClinVar aggregate classification (germline): Uncertain significance (1 of 4 stars; one submission).

Submission:

Women's Health and Genetics/Laboratory Corporation of America, LabCorp
Classification: Uncertain significance. Last evaluated: 2024-09-23. Review status: criteria provided, single submitter. Criteria: LabCorp Variant Classification Summary - May 2015. Collection method: clinical testing. Allele origin: germline.
Comment: Variant summary: OBSL1 c.2216A>T (p.Glu739Val) results in a non-conservative amino acid change located in the Immunoglobulin subtype 2 (IPR003598) of the encoded protein sequence. Five of five in-silico tools predict a damaging effect of the variant on protein function. The variant was absent in 249110 control chromosomes. The available data on variant occurrences in the general population are insufficient to allow any conclusion about variant significance. To our knowledge, no occurrence of c.2216A>T in individuals affected with Three M Syndrome 2 and no experimental evidence demonstrating its impact on protein function have been reported. No submitters have cited clinical-significance assessments for this variant to ClinVar. Based on the evidence outlined above, the variant was classified as uncertain significance.